The following is an entry in ClinVar:

NM_013336.4(SEC61A1):c.595A>G (p.Thr199Ala)

Gene: SEC61A1 (SEC61 translocon subunit alpha 1; plus strand). Cytogenetic location: 3q21.3.
Variant type: single nucleotide variant.
Coding change: c.595A>G on transcript NM_013336.4 (MANE Select); coding-DNA position 595, A replaced by G.
Protein change: p.Thr199Ala; replaces threonine 199 with alanine.
Molecular consequence: missense variant.
Genome position (GRCh38, 1-based): chr3:128,060,640, A>G. VCF-style: chr3-128060640-A-G. GRCh37 (hg19) VCF-style: chr3-127779483-A-G.
Other names: c.613A>G, p.Thr205Ala (NM_001400328.1); c.436A>G, p.Thr146Ala (NM_001400329.1); short protein forms T146A, T199A, T205A.
Identifiers: ClinVar variation 4804161 (VCV004804161.1).

ClinVar aggregate classification (germline): Uncertain significance (1 of 4 stars; one submission).

Submission:

Labcorp Genetics (formerly Invitae), Labcorp
Classification: Uncertain significance. Last evaluated: 2025-05-07. Review status: criteria provided, single submitter. Criteria: Invitae Variant Classification Sherloc (09022015). Collection method: clinical testing. Allele origin: germline.
Comment: This sequence change replaces threonine, which is neutral and polar, with alanine, which is neutral and non-polar, at codon 199 of the SEC61A1 protein (p.Thr199Ala). This variant is not present in population databases (gnomAD no frequency). This variant has not been reported in the literature in individuals affected with SEC61A1-related conditions. Invitae Evidence Modeling of protein sequence and biophysical properties (such as structural, functional, and spatial information, amino acid conservation, physicochemical variation, residue mobility, and thermodynamic stability) indicates that this missense variant is not expected to disrupt SEC61A1 protein function with a negative predictive value of 80%. In summary, the available evidence is currently insufficient to determine the role of this variant in disease. Therefore, it has been classified as a Variant of Uncertain Significance.